The following is an entry in ClinVar:

NM_000260.4(MYO7A):c.2709G>T (p.Gln903His)

Gene: MYO7A (myosin VIIA; plus strand). Cytogenetic location: 11q13.5.
Variant type: single nucleotide variant.
Coding change: c.2709G>T on transcript NM_000260.4 (MANE Select); coding-DNA position 2709, G replaced by T.
Protein change: p.Gln903His; replaces glutamine 903 with histidine.
Molecular consequence: missense variant.
Genome position (GRCh38, 1-based): chr11:77,181,394, G>T. VCF-style: chr11-77181394-G-T. GRCh37 (hg19) VCF-style: chr11-76892440-G-T.
Other names: c.2709G>T, p.Gln903His (NM_001127180.2); c.2676G>T, p.Gln892His (NM_001369365.1); short protein forms Q903H, Q892H.
Identifiers: ClinVar variation 1346122 (VCV001346122.8), dbSNP rs781852443, ClinGen allele CA381942646.

ClinVar aggregate classification (germline): Uncertain significance (1 of 4 stars; one submission).

Submission:

Labcorp Genetics (formerly Invitae), Labcorp
Classification: Uncertain significance. Last evaluated: 2021-04-17. Review status: criteria provided, single submitter. Criteria: Invitae Variant Classification Sherloc (09022015). Collection method: clinical testing. Allele origin: germline.
Comment: This sequence change replaces glutamine with histidine at codon 903 of the MYO7A protein (p.Gln903His). The glutamine residue is moderately conserved and there is a small physicochemical difference between glutamine and histidine. This variant is not present in population databases (ExAC no frequency). In summary, the available evidence is currently insufficient to determine the role of this variant in disease. Therefore, it has been classified as a Variant of Uncertain Significance. Advanced modeling of protein sequence and biophysical properties (such as structural, functional, and spatial information, amino acid conservation, physicochemical variation, residue mobility, and thermodynamic stability) performed at Invitae indicates that this missense variant is not expected to disrupt MYO7A protein function. This variant has not been reported in the literature in individuals with MYO7A-related conditions.